The following is an entry in ClinVar:

NM_003235.5(TG):c.1333C>T (p.Arg445Ter)

Gene: TG (thyroglobulin; plus strand). Cytogenetic location: 8q24.22.
Variant type: single nucleotide variant.
Coding change: c.1333C>T on transcript NM_003235.5 (MANE Select); coding-DNA position 1333, C replaced by T.
Protein change: p.Arg445Ter; replaces arginine 445 with a stop codon.
Molecular consequence: nonsense.
Genome position (GRCh38, 1-based): chr8:132,886,705, C>T. VCF-style: chr8-132886705-C-T. GRCh37 (hg19) VCF-style: chr8-133898950-C-T.
Other names: short protein forms R445*.
Identifiers: ClinVar variation 632515 (VCV000632515.10), dbSNP rs748309986, ClinGen allele CA4883165.
Genomic context (GRCh38, chr8:132,886,705, plus strand): 5'-ATGGTGGAGGGACAGAGCCAACAGTTTTCTGTCTCAGAAAATCTTCTCAAAGAAGCCATC[C>T]GAGCAATTTTTCCCTCCCGAGGGCTGGCTCGTCTTGCCCTTCAGTTTACCACCAACCCAA-3'

ClinVar aggregate classification (germline): Pathogenic. Review status: criteria provided, multiple submitters, no conflicts (2 of 4 stars). 2 submissions from 2 submitters: Pathogenic (2). Last evaluated 2025-05-16.

Allele frequency attached by ClinVar (database versions not stated): gnomAD 0.00002; TOPMed 0.00002; gnomAD exomes 0.00003; ExAC 0.00004.
gnomAD v4.1: 21 of 1,614,070 alleles (0.0013%); highest among the groups gnomAD compares: Admixed American, 0.01%; no homozygotes.

Submissions (2):

GeneDx
Classification: Pathogenic. Last evaluated: 2025-05-16. Review status: criteria provided, single submitter. Criteria: GeneDx Variant Classification Process June 2021. Collection method: clinical testing. Allele origin: germline. Affected: yes.
Comment: Nonsense variant predicted to result in protein truncation or nonsense mediated decay in a gene for which loss of function is a known mechanism of disease; This variant is associated with the following publications: (PMID: 35177841, 34200080, 39040671, 36884306)

Labcorp Genetics (formerly Invitae), Labcorp
Classification: Pathogenic. Last evaluated: 2024-02-16. Review status: criteria provided, single submitter. Criteria: Invitae Variant Classification Sherloc (09022015). Collection method: clinical testing. Allele origin: germline.
Comment: This sequence change creates a premature translational stop signal (p.Arg445*) in the TG gene. It is expected to result in an absent or disrupted protein product. Loss-of-function variants in TG are known to be pathogenic (PMID: 19837936, 23164529). This variant is present in population databases (rs748309986, gnomAD 0.01%). This variant has not been reported in the literature in individuals affected with TG-related conditions. ClinVar contains an entry for this variant (Variation ID: 632515). For these reasons, this variant has been classified as Pathogenic.

Literature cited by the submitters: PubMed 19837936 (cited by Labcorp Genetics (formerly Invitae), Labcorp); PubMed 23164529 (cited by Labcorp Genetics (formerly Invitae), Labcorp).